The following is an entry in ClinVar:

ClinVar aggregate classification (germline): Pathogenic (1 of 4 stars; one submission).

Conditions:
Neurofibromatosis, type 1 (NF1). Also called: VON RECKLINGHAUSEN DISEASE; Peripheral type neurofibromatosis; NEUROFIBROMATOSIS, TYPE I, SOMATIC; Neurofibromatosis, type I. Identifiers: Orphanet 636, MedGen C0027831, MONDO:0018975, OMIM 162200. Disease mechanism: loss of function.

Submission:

Department of Genetics, Sultan Qaboos University Hospital
Classification: Pathogenic for Neurofibromatosis, type 1. Last evaluated: 2026-04-01. Review status: criteria provided, single submitter. Criteria: ACMG Guidelines, 2015. Collection method: clinical testing. Allele origin: germline. Affected: yes. Observed: 1 variant allele.
Comment: PVS1,PM2

NM_001042492.3(NF1):c.331A>T (p.Lys111Ter)

Gene: NF1 (neurofibromin 1; plus strand). Cytogenetic location: 17q11.2.
Variant type: single nucleotide variant.
Coding change: c.331A>T on transcript NM_001042492.3 (MANE Select); coding-DNA position 331, A replaced by T.
Protein change: p.Lys111Ter; replaces lysine 111 with a stop codon.
Molecular consequence: nonsense.
Genome position (GRCh38, 1-based): chr17:31,163,228, A>T. VCF-style: chr17-31163228-A-T. GRCh37 (hg19) VCF-style: chr17-29490246-A-T.
Other names: c.331A>T, p.Lys111Ter (NM_000267.4, NM_001128147.3); short protein forms K111*.
Identifiers: ClinVar variation 4823933 (VCV004823933.1).
Genomic context (GRCh38, chr17:31,163,228, plus strand): 5'-TGATTATTTCTATTTTAGCAACCAAAGGACACAATGAGATTAGATGAAACGATGCTGGTC[A>T]AACAGTTGCTGCCAGAAATCTGCCATTTTCTTCACACCTGTCGTGAAGGAAACCAGCATG-3'